The following is an entry in ClinVar:

NM_000540.3(RYR1):c.13864G>A (p.Gly4622Ser)

Gene: RYR1 (ryanodine receptor 1; plus strand). Cytogenetic location: 19q13.2.
Variant type: single nucleotide variant.
Coding change: c.13864G>A on transcript NM_000540.3 (MANE Select); coding-DNA position 13864, G replaced by A.
Protein change: p.Gly4622Ser; replaces glycine 4622 with serine.
Molecular consequence: missense variant.
Genome position (GRCh38, 1-based): chr19:38,572,136, G>A. VCF-style: chr19-38572136-G-A. GRCh37 (hg19) VCF-style: chr19-39062776-G-A.
Other names: c.13849G>A, p.Gly4617Ser (NM_001042723.2); short protein forms G4617S, G4622S.
Identifiers: ClinVar variation 3075280 (VCV003075280.2), dbSNP rs2514712762, ClinGen allele CA405680712.
Genomic context (GRCh38, chr19:38,572,136, plus strand): 5'-TCAGGTGCAGGCTCTGGTGGCAGCTCTGGCTGGGGCTTGGGGGCCGGAGAGGAGGCAGAG[G>A]GCGATGAGGATGAGAACATGGTGTACTACTTCCTGGAGGAAAGCACAGGCTACATGGAAC-3'
Protein context (NP_000531.2, residues 4612-4632): WGLGAGEEAE[Gly4622Ser]DEDENMVYYF

ClinVar aggregate classification (germline): Uncertain significance. Review status: criteria provided, multiple submitters, no conflicts (2 of 4 stars). 2 submissions from 2 submitters: Uncertain significance (2). Last evaluated 2025-07-31.

Conditions:
RYR1-related disorder. Also called: RYR1-related condition; RYR1-related disorders. Identifiers: MedGen CN239331.
Malignant hyperthermia, susceptibility to, 1 (MHS1). Also called: Malignant hyperthermia suceptibility 1; RYR1-Related Malignant Hyperthermia Susceptibility; Anesthesia related hyperthermia; Malignant hyperpyrexia; Fulminating hyperpyrexia; Pharmacogenic myopathy. Identifiers: Orphanet 423, MedGen C2930980, MONDO:0007783, OMIM 145600.

Allele frequency attached by ClinVar (database versions not stated): gnomAD exomes below 0.00001.
gnomAD v4.1: 1 of 1,613,888 alleles (0.000062%); highest among the groups gnomAD compares: Admixed American, 0.0017%; no homozygotes.

Submissions (2):

PreventionGenetics, part of Exact Sciences
Classification: Uncertain significance for RYR1-related condition. Last evaluated: 2025-07-31. Review status: criteria provided, single submitter. Criteria: ACMG Guidelines, 2015. Collection method: clinical testing. Allele origin: germline.
Comment: The RYR1 c.13864G>A variant is predicted to result in the amino acid substitution p.Gly4622Ser. To our knowledge, this variant has not been reported in the literature or in a large population database (gnomAD), indicating this variant is rare. At this time, the clinical significance of this variant is uncertain due to the absence of conclusive functional and genetic evidence.

All of Us Research Program, National Institutes of Health
Classification: Uncertain significance for Malignant hyperthermia, susceptibility to, 1. Last evaluated: 2024-01-03. Review status: criteria provided, single submitter. Criteria: ACMG Guidelines, 2015. Collection method: clinical testing. Allele origin: germline. Inheritance: Autosomal dominant inheritance. Observed: 1 variant allele, 1 heterozygote.
Comment: This missense variant replaces glycine with serine at codon 4622 of the RYR1 protein. Computational prediction suggests that this variant may not impact protein structure and function (internally defined REVEL score threshold <= 0.5, PMID: 27666373). To our knowledge, functional studies have not been reported for this variant. This variant has not been reported in individuals affected with RYR1-related disorders in the literature. This variant has not been identified in the general population by the Genome Aggregation Database (gnomAD). The available evidence is insufficient to determine the role of this variant in disease conclusively. Therefore, this variant is classified as a Variant of Uncertain Significance.

This study involves interpretation of variants in research participants for the purpose of population health screening. Participant phenotype was not available at the time of variant classification. Additional details can be found in publication PMID: 35346344, PMCID: PMC8962531